The following is an entry in ClinVar:

NM_016203.4(PRKAG2):c.814G>A (p.Asp272Asn)

Gene: PRKAG2 (protein kinase AMP-activated non-catalytic subunit gamma 2; minus strand). Cytogenetic location: 7q36.1.
Variant type: single nucleotide variant.
Coding change: c.814G>A on transcript NM_016203.4 (MANE Select); coding-DNA position 814, G replaced by A.
Protein change: p.Asp272Asn; replaces aspartic acid 272 with asparagine.
Molecular consequence: missense variant.
Genome position (GRCh38, 1-based): chr7:151,595,395, C>T on the plus strand (G>A on the coding strand, the complement: PRKAG2 is on the minus strand). VCF-style: chr7-151595395-C-T. GRCh37 (hg19) VCF-style: chr7-151292481-C-T.
Other names: c.682G>A, p.Asp228Asn (NM_001040633.2, NM_001407024.1); c.439G>A, p.Asp147Asn (NM_001304527.2, NM_001407029.1); c.91G>A, p.Asp31Asn (NM_001304531.2, NM_001407034.1, NM_001407035.1 and 1 more transcripts); c.442G>A, p.Asp148Asn (NM_001363698.2, NM_001407028.1); c.814G>A, p.Asp272Asn (NM_001407021.1); c.811G>A, p.Asp271Asn (NM_001407022.1, NM_001407023.1); c.679G>A, p.Asp227Asn (NM_001407026.1, NM_001407027.1); c.526G>A, p.Asp176Asn (NM_001407030.1); and 6 more; short protein forms D147N, D148N, D164N, D166N, D175N, D176N, D227N, D228N.
Identifiers: ClinVar variation 3226901 (VCV003226901.1), dbSNP rs2536586933, ClinGen allele CA370069340.

ClinVar aggregate classification (germline): Uncertain significance (1 of 4 stars; one submission).

Conditions:
Cardiovascular phenotype. Identifiers: MedGen CN230736.

Allele frequency attached by ClinVar (database versions not stated): gnomAD exomes below 0.00001.
gnomAD v4.1: 2 of 1,614,018 alleles (0.00012%); highest among the groups gnomAD compares: Non-Finnish European, 0.00017%; no homozygotes.

Submission:

Ambry Genetics
Classification: Uncertain significance for Cardiovascular phenotype. Last evaluated: 2024-02-26. Review status: criteria provided, single submitter. Criteria: Ambry Variant Classification Scheme 2023. Collection method: clinical testing. Allele origin: germline.
Comment: The p.D272N variant (also known as c.814G>A), located in coding exon 6 of the PRKAG2 gene, results from a G to A substitution at nucleotide position 814. The aspartic acid at codon 272 is replaced by asparagine, an amino acid with highly similar properties. This amino acid position is conserved. In addition, the in silico prediction for this alteration is inconclusive. Based on the available evidence, the clinical significance of this alteration remains unclear.